The following is an entry in ClinVar:

NM_004444.5(EPHB4):c.1150C>G (p.Arg384Gly)

Gene: EPHB4 (EPH receptor B4; minus strand). Cytogenetic location: 7q22.1.
Variant type: single nucleotide variant.
Coding change: c.1150C>G on transcript NM_004444.5 (MANE Select); coding-DNA position 1150, C replaced by G.
Protein change: p.Arg384Gly; replaces arginine 384 with glycine.
Molecular consequence: missense variant.
Genome position (GRCh38, 1-based): chr7:100,819,704, G>C on the plus strand (C>G on the coding strand, the complement: EPHB4 is on the minus strand). VCF-style: chr7-100819704-G-C. GRCh37 (hg19) VCF-style: chr7-100417326-G-C.
Other names: short protein forms R384G.
Identifiers: ClinVar variation 3630752 (VCV003630752.2).

ClinVar aggregate classification (germline): Uncertain significance (1 of 4 stars; one submission).

Submission:

Labcorp Genetics (formerly Invitae), Labcorp
Classification: Uncertain significance. Last evaluated: 2025-01-27. Review status: criteria provided, single submitter. Criteria: Invitae Variant Classification Sherloc (09022015). Collection method: clinical testing. Allele origin: germline.
Comment: This sequence change replaces arginine, which is basic and polar, with glycine, which is neutral and non-polar, at codon 384 of the EPHB4 protein (p.Arg384Gly). This variant is not present in population databases (gnomAD no frequency). This variant has not been reported in the literature in individuals affected with EPHB4-related conditions. Invitae Evidence Modeling of protein sequence and biophysical properties (such as structural, functional, and spatial information, amino acid conservation, physicochemical variation, residue mobility, and thermodynamic stability) indicates that this missense variant is not expected to disrupt EPHB4 protein function with a negative predictive value of 95%. In summary, the available evidence is currently insufficient to determine the role of this variant in disease. Therefore, it has been classified as a Variant of Uncertain Significance.